The following is an entry in ClinVar:

NM_001114122.3(CHEK1):c.854_855del (p.Glu285fs)

Gene: CHEK1 (checkpoint kinase 1; plus strand). Cytogenetic location: 11q24.2.
Variant type: Microsatellite.
Coding change: c.854_855del on transcript NM_001114122.3 (MANE Select); coding-DNA positions 854 to 855, 2 bases deleted (AG; older notation c.854_855delAG).
Protein change: p.Glu285fs; shifts the reading frame from glutamic acid 285.
Molecular consequence: frameshift variant. On other transcripts: non-coding transcript variant (2).
Genome position (GRCh38, 1-based): chr11:125,643,831-125,643,832, AG deleted; deleting any 2 consecutive bases within chr11:125,643,829-125,643,832 gives the same sequence; the c. name uses the placement nearest the transcript's 3' end. VCF-style (leftmost placement, unchanged base first): chr11-125643828-CAG-C. GRCh37 (hg19) VCF-style: chr11-125513723-CAG-C.
Other names: c.854_855del, p.Glu285fs (NM_001114121.2, NM_001244846.1, NM_001274.5); c.551_552del, p.Glu184fs (NM_001330427.2); c.572_573del, p.Glu191fs (NM_001330428.1); short protein forms E191fs, E285fs, E184fs.
Identifiers: ClinVar variation 4987091 (VCV004987091.1).

ClinVar aggregate classification (germline): Uncertain significance (1 of 4 stars; one submission).

Conditions:
CHEK1-related disorder. Also called: CHEK1-related condition.

Submission:

PreventionGenetics, part of Exact Sciences
Classification: Uncertain significance for CHEK1-related condition. Last evaluated: 2025-06-17. Review status: criteria provided, single submitter. Criteria: ACMG Guidelines, 2015. Collection method: clinical testing. Allele origin: germline.
Comment: The CHEK1 c.902_903delAG variant is predicted to result in a frameshift and premature protein termination (p.Glu301Valfs*7). To our knowledge, this variant has not been reported in the literature. This variant is reported in 0.0040% of alleles in individuals of African descent in gnomAD. This variant has not yet been reported in ClinVar. Currently the clinical significance of loss-of-function variants in CHEK1 is uncertain. At this time, the clinical significance of this variant is uncertain due to the absence of conclusive functional and genetic evidence.